The following is an entry in ClinVar:

ClinVar aggregate classification (germline): Pathogenic/Likely pathogenic. Review status: criteria provided, multiple submitters, no conflicts (2 of 4 stars). 2 submissions from 2 submitters: Pathogenic (1); Likely pathogenic (1). Last evaluated 2024-01-26.

Conditions:
Bardet-Biedl syndrome (BBS). Identifiers: Orphanet 110, MedGen C0752166, MONDO:0015229.
Bardet-Biedl syndrome 12 (BBS12). Identifiers: Orphanet 110, MedGen C1859570, MONDO:0014440, OMIM 615989.

Submissions (2):

Fulgent Genetics
Classification: Likely pathogenic for Bardet-Biedl syndrome 12. Last evaluated: 2024-01-26. Review status: criteria provided, single submitter. Criteria: ACMG Guidelines, 2015. Collection method: clinical testing. Allele origin: germline.

Labcorp Genetics (formerly Invitae), Labcorp
Classification: Pathogenic for Bardet-Biedl syndrome. Last evaluated: 2022-12-12. Review status: criteria provided, single submitter. Criteria: Invitae Variant Classification Sherloc (09022015). Collection method: clinical testing. Allele origin: germline.
Comment: This sequence change creates a premature translational stop signal (p.Asp383Glufs*22) in the BBS12 gene. While this is not anticipated to result in nonsense mediated decay, it is expected to disrupt the last 328 amino acid(s) of the BBS12 protein. This variant is not present in population databases (gnomAD no frequency). This variant has not been reported in the literature in individuals affected with BBS12-related conditions. This variant disrupts a region of the BBS12 protein in which other variant(s) (p.Ser701*) have been determined to be pathogenic (PMID: 20648243). This suggests that this is a clinically significant region of the protein, and that variants that disrupt it are likely to be disease-causing. For these reasons, this variant has been classified as Pathogenic.

Literature cited by the submitters: PubMed 20648243 (cited by Labcorp Genetics (formerly Invitae), Labcorp).

NM_152618.3(BBS12):c.1149del (p.Asp383fs)

Gene: BBS12 (Bardet-Biedl syndrome 12; plus strand). Cytogenetic location: 4q27.
Variant type: Deletion.
Coding change: c.1149del on transcript NM_152618.3 (MANE Select); coding-DNA position 1149, one base deleted (T; older notation c.1149delT).
Protein change: p.Asp383fs; shifts the reading frame from aspartic acid 383.
Molecular consequence: frameshift variant.
Genome position (GRCh38, 1-based): chr4:122,743,041, T deleted. VCF-style (leftmost placement, unchanged base first): chr4-122743040-AT-A. GRCh37 (hg19) VCF-style: chr4-123664195-AT-A.
Other names: c.1149del, p.Asp383fs (NM_001178007.2); short protein forms D383fs.
Identifiers: ClinVar variation 2820216 (VCV002820216.4), dbSNP rs2485075357, ClinGen allele CA2739270257.